The following is an entry in ClinVar:

NM_021942.6(TRAPPC11):c.2489A>G (p.Asp830Gly)

Genes: TRAPPC11 (trafficking protein particle complex subunit 11; plus strand), LOC126807238 (BRD4-independent group 4 enhancer GRCh37_chr4:184614366-184615565; plus strand). Cytogenetic location: 4q35.1.
Variant type: single nucleotide variant.
Coding change: c.2489A>G on transcript NM_021942.6 (MANE Select); coding-DNA position 2489, A replaced by G.
Protein change: p.Asp830Gly; replaces aspartic acid 830 with glycine.
Molecular consequence: missense variant.
Genome position (GRCh38, 1-based): chr4:183,694,019, A>G. VCF-style: chr4-183694019-A-G. GRCh37 (hg19) VCF-style: chr4-184615172-A-G.
Other names: c.2489A>G, p.Asp830Gly (NM_199053.3); c.2489A>G (NM_021942.4); short protein forms D830G.
Identifiers: ClinVar variation 858001 (VCV000858001.11), dbSNP rs200068440, ClinGen allele CA3152205.

ClinVar aggregate classification (germline): Uncertain significance. Review status: criteria provided, multiple submitters, no conflicts (2 of 4 stars). 2 submissions from 2 submitters: Uncertain significance (2). Last evaluated 2025-04-20.

Conditions:
Inborn genetic diseases. Identifiers: MedGen C0950123, MeSH D030342.
Autosomal recessive limb-girdle muscular dystrophy type R18 (LGMDR18). Also called: Autosomal recessive limb-girdle muscular dystrophy type 2S; Limb-girdle muscular dystrophy, type 2S; MUSCULAR DYSTROPHY, LIMB-GIRDLE, AUTOSOMAL RECESSIVE 18. Identifiers: Orphanet 369840, MedGen C4517996, MONDO:0014144, OMIM 615356.

Allele frequency attached by ClinVar (database versions not stated): gnomAD exomes 0.00004 and 0.00009; ExAC 0.00016; gnomAD 0.00001; ESP Exome Variant Server 0.00008; TOPMed 0.00002.
gnomAD v4.1: 61 of 1,613,774 alleles (0.0038%); highest among the groups gnomAD compares: Non-Finnish European, 0.0051%; no homozygotes.

Submissions (2):

Ambry Genetics
Classification: Uncertain significance for Inborn genetic diseases. Last evaluated: 2025-04-20. Review status: criteria provided, single submitter. Criteria: Ambry Variant Classification Scheme 2023. Collection method: clinical testing. Allele origin: germline.

Labcorp Genetics (formerly Invitae), Labcorp
Classification: Uncertain significance for Autosomal recessive limb-girdle muscular dystrophy type R18. Last evaluated: 2023-05-15. Review status: criteria provided, single submitter. Criteria: Invitae Variant Classification Sherloc (09022015). Collection method: clinical testing. Allele origin: germline.
Comment: In summary, the available evidence is currently insufficient to determine the role of this variant in disease. Therefore, it has been classified as a Variant of Uncertain Significance. Advanced modeling of protein sequence and biophysical properties (such as structural, functional, and spatial information, amino acid conservation, physicochemical variation, residue mobility, and thermodynamic stability) performed at Invitae indicates that this missense variant is not expected to disrupt TRAPPC11 protein function. ClinVar contains an entry for this variant (Variation ID: 858001). This variant has not been reported in the literature in individuals affected with TRAPPC11-related conditions. This variant is present in population databases (rs200068440, gnomAD 0.02%). This sequence change replaces aspartic acid, which is acidic and polar, with glycine, which is neutral and non-polar, at codon 830 of the TRAPPC11 protein (p.Asp830Gly).